The following is an entry in ClinVar:

ClinVar aggregate classification (germline): Uncertain significance. Review status: criteria provided, multiple submitters, no conflicts (2 of 4 stars). 5 submissions from 5 submitters: Uncertain significance (5). Last evaluated 2025-10-27.

Conditions:
Hereditary cancer-predisposing syndrome. Also called: Tumor predisposition; Hereditary Cancer Syndrome; Neoplastic Syndromes, Hereditary; Hereditary neoplastic syndrome. Identifiers: Orphanet 140162, MedGen C0027672, MeSH D009386, MONDO:0015356.
Fanconi anemia complementation group J. Also called: BRIP1-Related Fanconi Anemia. Identifiers: Orphanet 84, MedGen C1836860, MONDO:0012187, OMIM 609054.
Familial cancer of breast. Also called: hereditary breast carcinoma; Hereditary breast cancer; BREAST CANCER, FAMILIAL. Identifiers: Orphanet 227535, MedGen C0346153, MONDO:0016419, OMIM 114480. Disease mechanism: loss of function.

Submissions (5):

Labcorp Genetics (formerly Invitae), Labcorp
Classification: Uncertain significance for Familial cancer of breast; Fanconi anemia complementation group J. Last evaluated: 2025-10-27. Review status: criteria provided, single submitter. Criteria: Invitae Variant Classification Sherloc (09022015). Collection method: clinical testing. Allele origin: germline.
Comment: This sequence change creates a premature translational stop signal (p.Asn1147Lysfs*2) in the BRIP1 gene. While this is not anticipated to result in nonsense mediated decay, it is expected to disrupt the last 103 amino acid(s) of the BRIP1 protein. This variant is present in population databases (rs753683450, gnomAD 0.08%). This premature translational stop signal has been observed in individual(s) with clinical features of BRIP1-related conditions (internal data). ClinVar contains an entry for this variant (Variation ID: 483163). Experimental studies and prediction algorithms are not available or were not evaluated, and the functional significance of this variant is currently unknown. In summary, the available evidence is currently insufficient to determine the role of this variant in disease. Therefore, it has been classified as a Variant of Uncertain Significance.

Ambry Genetics
Classification: Uncertain significance for Hereditary cancer-predisposing syndrome. Last evaluated: 2025-02-19. Review status: criteria provided, single submitter. Criteria: Ambry Variant Classification Scheme 2023. Collection method: clinical testing. Allele origin: germline.
Comment: The c.3440dupA variant, located in coding exon 19 of the BRIP1 gene, results from a duplication of A at nucleotide position 3440, causing a translational frameshift with a predicted alternate stop codon. This alteration occurs at the 3' terminus of BRIP1 gene, is not expected to trigger nonsense-mediated mRNA decay, and only impacts the last 102 amino acids of the protein. The exact functional impact of these removed amino acids is unknown. While the C-terminal region of the BRIP1 protein has been shown by structural, biochemical, and mutational analysis to be relevant for some aspects of BRIP1 protein function (Gong Z et al. Mol. Cell, 2010 Feb;37:438-46; Leung CC et al. J. Biol. Chem. 2011 Feb; 286(6):4292-301; Xie J et al. PLoS Genet. 2012 Jul; 8(7):e1002786), functional studies have shown that truncations in the 3' terminus of BRIP1 display normal function in response to intra-strand cross-linking agents (Calvo JA et al. Mol Cancer Res, 2021 Jun;19:1015-1025). In addition, 3' truncations in BRIP1 occurring upstream of this variant have been detected in the homozygous or compound heterozygous state in individuals with no reported features of BRIP1-related Fanconi Anemia (FA-J) (Ambry internal data). Based on the available evidence, the clinical significance of this variant remains unclear.

Blueprint Genetics
Classification: Uncertain significance. Last evaluated: 2023-06-02. Review status: criteria provided, single submitter. Criteria: ACMG Guidelines, 2015. Collection method: clinical testing. Allele origin: germline.

GeneDx
Classification: Uncertain significance. Last evaluated: 2019-09-26. Review status: criteria provided, single submitter. Criteria: GeneDx Variant Classification Process June 2021. Collection method: clinical testing. Allele origin: germline. Affected: yes.
Comment: Frameshift variant predicted to result in protein truncation as the last 103 amino acids are lost and replaced with one incorrect amino acid, although loss-of-function variants have not been reported downstream of this position in the protein; Has not been previously published as pathogenic or benign to our knowledge; This variant is associated with the following publications: (PMID: 29922827, 20159562, 21127055, 20068231, 22792074)

Color Diagnostics, LLC DBA Color Health
Classification: Uncertain significance for Hereditary cancer-predisposing syndrome. Last evaluated: 2018-12-06. Review status: criteria provided, single submitter. Criteria: ACMG Guidelines, 2015. Collection method: clinical testing. Allele origin: germline.

Literature cited by the submitters: PubMed 20068231 (cited by Ambry Genetics); PubMed 22792074 (cited by Ambry Genetics); PubMed 35739278 (cited by Ambry Genetics).

NM_032043.3(BRIP1):c.3440dup (p.Asn1147fs)

Gene: BRIP1 (BRCA1 interacting DNA helicase 1; minus strand). Cytogenetic location: 17q23.2.
Variant type: Duplication.
Coding change: c.3440dup on transcript NM_032043.3 (MANE Select); coding-DNA position 3440, one base duplicated (A; older notation c.3440dupA).
Protein change: p.Asn1147fs; shifts the reading frame from asparagine 1147.
Molecular consequence: frameshift variant.
Genome position (GRCh38, 1-based): chr17:61,683,606, T duplicated on the plus strand (A on the coding strand, the reverse complement: BRIP1 is on the minus strand); the first of 7 consecutive T bases (chr17:61,683,606-61,683,612); duplicating any one gives the same sequence. VCF-style (leftmost placement, unchanged base first): chr17-61683605-A-AT. GRCh37 (hg19) VCF-style: chr17-59760966-A-AT.
Other names: c.3440dupA (NM_032043.2); short protein forms N1147fs.
Identifiers: ClinVar variation 483163 (VCV000483163.24), dbSNP rs753683450, ClinGen allele CA8690364.
Genomic context (GRCh38, chr17:61,683,605, plus strand): 5'-AGCTAAAATGCAATCTGAATTGTTAGCCAATCTATTTCCTCTATCAGTTTCAGCTAGGTC[A>AT]TTTTTTTCTTCATCTGTATCTTCAGGATCATAAAGTTCAGGTGTAAAATAGATAGATTCA-3'